The following is an entry in ClinVar:

ClinVar aggregate classification (germline): Uncertain significance. Review status: criteria provided, multiple submitters, no conflicts (2 of 4 stars). 2 submissions from 2 submitters: Uncertain significance (2). Last evaluated 2025-12-09.

Allele frequency attached by ClinVar (database versions not stated): gnomAD exomes 0.00001 and 0.00004; ExAC 0.00007; ESP Exome Variant Server 0.00008; gnomAD 0.00013 and 0.00016; TOPMed 0.00017.
gnomAD v4.1: 31 of 1,613,482 alleles (0.0019%); highest among the groups gnomAD compares: African/African-American, 0.037%; no homozygotes.

Submissions (2):

Ambry Genetics
Classification: Uncertain significance. Last evaluated: 2025-12-09. Review status: criteria provided, single submitter. Criteria: Ambry Variant Classification Scheme 2023. Collection method: clinical testing. Allele origin: germline.

Labcorp Genetics (formerly Invitae), Labcorp
Classification: Uncertain significance. Last evaluated: 2021-11-04. Review status: criteria provided, single submitter. Criteria: Invitae Variant Classification Sherloc (09022015). Collection method: clinical testing. Allele origin: germline.
Comment: This sequence change replaces tyrosine, which is neutral and polar, with aspartic acid, which is acidic and polar, at codon 1636 of the FBN3 protein (p.Tyr1636Asp). This variant is present in population databases (rs369306749, gnomAD 0.05%). This variant has not been reported in the literature in individuals affected with FBN3-related conditions. Algorithms developed to predict the effect of missense changes on protein structure and function are either unavailable or do not agree on the potential impact of this missense change (SIFT: "Not Available"; PolyPhen-2: "Possibly Damaging"; Align-GVGD: "Not Available"). In summary, the available evidence is currently insufficient to determine the role of this variant in disease. Therefore, it has been classified as a Variant of Uncertain Significance.

NM_032447.5(FBN3):c.4906T>G (p.Tyr1636Asp)

Gene: FBN3 (fibrillin 3; minus strand). Cytogenetic location: 19p13.2.
Variant type: single nucleotide variant.
Coding change: c.4906T>G on transcript NM_032447.5 (MANE Select); coding-DNA position 4906, T replaced by G.
Protein change: p.Tyr1636Asp; replaces tyrosine 1636 with aspartic acid.
Molecular consequence: missense variant.
Genome position (GRCh38, 1-based): chr19:8,103,595, A>C on the plus strand (T>G on the coding strand, the complement: FBN3 is on the minus strand). VCF-style: chr19-8103595-A-C. GRCh37 (hg19) VCF-style: chr19-8168479-A-C.
Other names: c.4906T>G, p.Tyr1636Asp (NM_001321431.2); c.4906T>G (NM_032447.3); short protein forms Y1636D.
Identifiers: ClinVar variation 1492377 (VCV001492377.7), dbSNP rs369306749, ClinGen allele CA9151872.